The following is an entry in ClinVar:

ClinVar aggregate classification (germline): Uncertain significance. Review status: criteria provided, multiple submitters, no conflicts (2 of 4 stars). 2 submissions from 2 submitters: Uncertain significance (2). Last evaluated 2025-11-02.

Allele frequency attached by ClinVar (database versions not stated): gnomAD exomes below 0.00001 and 0.00001; ExAC 0.00001; gnomAD 0.00003 and 0.00004; TOPMed 0.00003.
gnomAD v4.1: 6 of 1,602,202 alleles (0.00037%); highest among the groups gnomAD compares: African/African-American, 0.0081%; no homozygotes.

Submissions (2):

Labcorp Genetics (formerly Invitae), Labcorp
Classification: Uncertain significance. Last evaluated: 2025-11-02. Review status: criteria provided, single submitter. Criteria: Invitae Variant Classification Sherloc (09022015). Collection method: clinical testing. Allele origin: germline.
Comment: This sequence change replaces alanine, which is neutral and non-polar, with valine, which is neutral and non-polar, at codon 378 of the RNF13 protein (p.Ala378Val). This variant is present in population databases (rs753929579, gnomAD 0.02%). This variant has not been reported in the literature in individuals affected with RNF13-related conditions. ClinVar contains an entry for this variant (Variation ID: 1509280). An algorithm developed to predict the effect of missense changes on protein structure and function (PolyPhen-2) suggests that this variant is likely to be tolerated. Algorithms developed to predict the effect of sequence changes on RNA splicing suggest that this variant may create or strengthen a splice site. In summary, the available evidence is currently insufficient to determine the role of this variant in disease. Therefore, it has been classified as a Variant of Uncertain Significance.

Ambry Genetics
Classification: Uncertain significance. Last evaluated: 2022-02-11. Review status: criteria provided, single submitter. Criteria: Ambry Variant Classification Scheme 2023. Collection method: clinical testing. Allele origin: germline.

NM_183381.3(RNF13):c.1133C>T (p.Ala378Val)

Gene: RNF13 (ring finger protein 13; plus strand). Cytogenetic location: 3q25.1.
Variant type: single nucleotide variant.
Coding change: c.1133C>T on transcript NM_183381.3 (MANE Select); coding-DNA position 1133, C replaced by T.
Protein change: p.Ala378Val; replaces alanine 378 with valine.
Molecular consequence: missense variant. On other transcripts: non-coding transcript variant (1).
Genome position (GRCh38, 1-based): chr3:149,961,091, C>T. VCF-style: chr3-149961091-C-T. GRCh37 (hg19) VCF-style: chr3-149678878-C-T.
Other names: c.1133C>T, p.Ala378Val (NM_001378285.1, NM_001378286.1, NM_007282.4); c.776C>T, p.Ala259Val (NM_001378287.1, NM_001378288.1, NM_001378289.1 and 2 more transcripts); c.740C>T, p.Ala247Val (NM_001378291.1); short protein forms A247V, A378V, A259V.
Identifiers: ClinVar variation 1509280 (VCV001509280.9), dbSNP rs753929579, ClinGen allele CA2663170.
Genomic context (GRCh38, chr3:149,961,091, plus strand): 5'-TTAATGAACATGATGTCGTGGTCCAGTTGCAGCCTAATGGTGAACGGGATTACAACATAG[C>T]AAATACTGTTTGACTTTCAGAAGATGATTGGTTTATTTCCCTTTAAAATGATTAGGTATA-3'
Protein context (NP_899237.1, residues 368-381): QPNGERDYNI[Ala378Val]NTV